The following is an entry in ClinVar:

ClinVar aggregate classification (germline): Uncertain significance (1 of 4 stars; one submission).

Conditions:
Combined malonic and methylmalonic acidemia. Identifiers: MONDO:0013661, OMIM 614265, Orphanet 289504, MedGen C3280314.

gnomAD v4.1: 4 of 1,613,926 alleles (0.00025%); highest among the groups gnomAD compares: Admixed American, 0.0033%; no homozygotes.

Submission:

Labcorp Genetics (formerly Invitae), Labcorp
Classification: Uncertain significance for Combined malonic and methylmalonic acidemia. Last evaluated: 2025-07-20. Review status: criteria provided, single submitter. Criteria: Invitae Variant Classification Sherloc (09022015). Collection method: clinical testing. Allele origin: germline.
Comment: This sequence change replaces histidine, which is basic and polar, with glutamine, which is neutral and polar, at codon 245 of the ACSF3 protein (p.His245Gln). This variant is not present in population databases (gnomAD no frequency). This variant has not been reported in the literature in individuals affected with ACSF3-related conditions. Invitae Evidence Modeling of protein sequence and biophysical properties (such as structural, functional, and spatial information, amino acid conservation, physicochemical variation, residue mobility, and thermodynamic stability) indicates that this missense variant is expected to disrupt ACSF3 protein function with a positive predictive value of 95%. In summary, the available evidence is currently insufficient to determine the role of this variant in disease. Therefore, it has been classified as a Variant of Uncertain Significance.

NM_001243279.3(ACSF3):c.735C>G (p.His245Gln)

Gene: ACSF3 (acyl-CoA synthetase family member 3; plus strand). Cytogenetic location: 16q24.3.
Variant type: single nucleotide variant.
Coding change: c.735C>G on transcript NM_001243279.3 (MANE Select); coding-DNA position 735, C replaced by G.
Protein change: p.His245Gln; replaces histidine 245 with glutamine.
Molecular consequence: missense variant. On other transcripts: 5 prime UTR variant (1), non-coding transcript variant (3).
Genome position (GRCh38, 1-based): chr16:89,102,672, C>G. VCF-style: chr16-89102672-C-G. GRCh37 (hg19) VCF-style: chr16-89169080-C-G.
Other names: c.735C>G, p.His245Gln (NM_001127214.4, NM_174917.5); c.-61C>G (NM_001284316.2); short protein forms H245Q.
Identifiers: ClinVar variation 4708252 (VCV004708252.1).
Genomic context (GRCh38, chr16:89,102,672, plus strand): 5'-GCTGGTCCACAAGTGGGCATGGACCAAAGACGACGTGATCCTCCACGTGCTCCCGCTGCA[C>G]CACGTCCATGGTGTGGTCAACGCGCTGCTCTGTCCTCTCTGGGTGGGAGCCACCTGTGTG-3'
Protein context (NP_001230208.1, residues 235-255): DDVILHVLPL[His245Gln]HVHGVVNALL